The following is an entry in ClinVar:

NM_002857.4(PEX19):c.51A>C (p.Glu17Asp)

Gene: PEX19 (peroxisomal biogenesis factor 19; minus strand). Cytogenetic location: 1q23.2.
Variant type: single nucleotide variant.
Coding change: c.51A>C on transcript NM_002857.4 (MANE Select); coding-DNA position 51, A replaced by C.
Protein change: p.Glu17Asp; replaces glutamic acid 17 with aspartic acid.
Molecular consequence: missense variant. On other transcripts: non-coding transcript variant (2).
Genome position (GRCh38, 1-based): chr1:160,285,074, T>G on the plus strand (A>C on the coding strand, the complement: PEX19 is on the minus strand). VCF-style: chr1-160285074-T-G. GRCh37 (hg19) VCF-style: chr1-160254864-T-G.
Other names: c.51A>C, p.Glu17Asp (NM_001193644.1); short protein forms E17D.
Identifiers: ClinVar variation 1370961 (VCV001370961.6), dbSNP rs1657957259, ClinGen allele CA343265855.

ClinVar aggregate classification (germline): Uncertain significance (1 of 4 stars; one submission).

Conditions:
Peroxisome biogenesis disorder 12A (Zellweger). Also called: Peroxisome biogenesis disorder 12A. Identifiers: Orphanet 912, MedGen C3554002, MONDO:0013951, OMIM 614886.

Allele frequency attached by ClinVar (database versions not stated): gnomAD exomes below 0.00001.
gnomAD v4.1: 2 of 1,613,720 alleles (0.00012%); highest among the groups gnomAD compares: East Asian, 0.0022%; no homozygotes.

Submission:

Labcorp Genetics (formerly Invitae), Labcorp
Classification: Uncertain significance for Peroxisome biogenesis disorder 12A (Zellweger). Last evaluated: 2023-11-27. Review status: criteria provided, single submitter. Criteria: Invitae Variant Classification Sherloc (09022015). Collection method: clinical testing. Allele origin: germline.
Comment: This sequence change replaces glutamic acid, which is acidic and polar, with aspartic acid, which is acidic and polar, at codon 17 of the PEX19 protein (p.Glu17Asp). This variant is not present in population databases (gnomAD no frequency). This variant has not been reported in the literature in individuals affected with PEX19-related conditions. ClinVar contains an entry for this variant (Variation ID: 1370961). Advanced modeling of protein sequence and biophysical properties (such as structural, functional, and spatial information, amino acid conservation, physicochemical variation, residue mobility, and thermodynamic stability) performed at Invitae indicates that this missense variant is not expected to disrupt PEX19 protein function with a negative predictive value of 80%. In summary, the available evidence is currently insufficient to determine the role of this variant in disease. Therefore, it has been classified as a Variant of Uncertain Significance.